The following is an entry in ClinVar:

ClinVar aggregate classification (germline): Uncertain significance (1 of 4 stars; one submission).

Submission:

GeneDx
Classification: Uncertain significance. Last evaluated: 2023-02-23. Review status: criteria provided, single submitter. Criteria: GeneDx Variant Classification Process June 2021. Collection method: clinical testing. Allele origin: germline. Affected: yes.
Comment: Not observed at significant frequency in large population cohorts (gnomAD); Nonsense variant predicted to result in protein truncation or nonsense mediated decay in a gene or region of a gene for which loss of function is not a well-established mechanism of disease; Has not been previously published as pathogenic or benign to our knowledge

NM_000829.4(GRIA4):c.1017G>A (p.Trp339Ter)

Gene: GRIA4 (glutamate ionotropic receptor AMPA type subunit 4; plus strand). Cytogenetic location: 11q22.3.
Variant type: single nucleotide variant.
Coding change: c.1017G>A on transcript NM_000829.4 (MANE Select); coding-DNA position 1017, G replaced by A.
Protein change: p.Trp339Ter; replaces tryptophan 339 with a stop codon.
Molecular consequence: nonsense. On other transcripts: non-coding transcript variant (1).
Genome position (GRCh38, 1-based): chr11:105,903,945, G>A. VCF-style: chr11-105903945-G-A. GRCh37 (hg19) VCF-style: chr11-105774671-G-A.
Other names: c.1017G>A, p.Trp339Ter (NM_001077243.3, NM_001077244.2, NM_001112812.2); short protein forms W339*.
Identifiers: ClinVar variation 2577751 (VCV002577751.1), dbSNP rs2497814370, ClinGen allele CA382303721.